The following is an entry in ClinVar:

ClinVar aggregate classification (germline): Uncertain significance (1 of 4 stars; one submission).

Allele frequency attached by ClinVar (database versions not stated): gnomAD exomes below 0.00001; ExAC 0.00001.
gnomAD v4.1: 2 of 1,614,242 alleles (0.00012%); highest among the groups gnomAD compares: East Asian, 0.0022%; no homozygotes.

Submission:

Labcorp Genetics (formerly Invitae), Labcorp
Classification: Uncertain significance. Last evaluated: 2022-10-17. Review status: criteria provided, single submitter. Criteria: Invitae Variant Classification Sherloc (09022015). Collection method: clinical testing. Allele origin: germline.
Comment: In summary, the available evidence is currently insufficient to determine the role of this variant in disease. Therefore, it has been classified as a Variant of Uncertain Significance. Advanced modeling of protein sequence and biophysical properties (such as structural, functional, and spatial information, amino acid conservation, physicochemical variation, residue mobility, and thermodynamic stability) has been performed at Invitae for this missense variant, however the output from this modeling did not meet the statistical confidence thresholds required to predict the impact of this variant on FAM161A protein function. ClinVar contains an entry for this variant (Variation ID: 1463257). This variant has not been reported in the literature in individuals affected with FAM161A-related conditions. This variant is present in population databases (rs768995854, gnomAD 0.006%). This sequence change replaces lysine, which is basic and polar, with glutamic acid, which is acidic and polar, at codon 351 of the FAM161A protein (p.Lys351Glu).

NM_001201543.2(FAM161A):c.1051A>G (p.Lys351Glu)

Gene: FAM161A (FAM161 centrosomal protein A; minus strand). Cytogenetic location: 2p15.
Variant type: single nucleotide variant.
Coding change: c.1051A>G on transcript NM_001201543.2 (MANE Select); coding-DNA position 1051, A replaced by G.
Protein change: p.Lys351Glu; replaces lysine 351 with glutamic acid.
Molecular consequence: missense variant. On other transcripts: non-coding transcript variant (1).
Genome position (GRCh38, 1-based): chr2:61,839,953, T>C on the plus strand (A>G on the coding strand, the complement: FAM161A is on the minus strand). VCF-style: chr2-61839953-T-C. GRCh37 (hg19) VCF-style: chr2-62067088-T-C.
Other names: c.1051A>G, p.Lys351Glu (NM_032180.3); short protein forms K351E.
Identifiers: ClinVar variation 1463257 (VCV001463257.8), dbSNP rs768995854, ClinGen allele CA1679226.